The following is an entry in ClinVar:

NM_001005273.3(CHD3):c.1655T>A (p.Val552Asp)

Gene: CHD3 (chromodomain helicase DNA binding protein 3; plus strand). Cytogenetic location: 17p13.1.
Variant type: single nucleotide variant.
Coding change: c.1655T>A on transcript NM_001005273.3 (MANE Select); coding-DNA position 1655, T replaced by A.
Protein change: p.Val552Asp; replaces valine 552 with aspartic acid.
Molecular consequence: missense variant.
Genome position (GRCh38, 1-based): chr17:7,895,490, T>A. VCF-style: chr17-7895490-T-A. GRCh37 (hg19) VCF-style: chr17-7798808-T-A.
Other names: c.1832T>A, p.Val611Asp (NM_001005271.3); c.1655T>A, p.Val552Asp (NM_005852.4); short protein forms V552D, V611D.
Identifiers: ClinVar variation 2497990 (VCV002497990.1), dbSNP rs2544843083, ClinGen allele CA397934102.

ClinVar aggregate classification (germline): Uncertain significance (1 of 4 stars; one submission).

Submission:

GeneDx
Classification: Uncertain significance. Last evaluated: 2022-10-07. Review status: criteria provided, single submitter. Criteria: GeneDx Variant Classification Process June 2021. Collection method: clinical testing. Allele origin: germline. Affected: yes.
Comment: Not observed at significant frequency in large population cohorts (gnomAD); In silico analysis supports that this missense variant has a deleterious effect on protein structure/function; Has not been previously published as pathogenic or benign to our knowledge